The following is an entry in ClinVar:

NM_144997.7(FLCN):c.183C>G (p.His61Gln)

Gene: FLCN (folliculin; minus strand). Cytogenetic location: 17p11.2.
Variant type: single nucleotide variant.
Coding change: c.183C>G on transcript NM_144997.7 (MANE Select); coding-DNA position 183, C replaced by G.
Protein change: p.His61Gln; replaces histidine 61 with glutamine.
Molecular consequence: missense variant.
Genome position (GRCh38, 1-based): chr17:17,227,955, G>C on the plus strand (C>G on the coding strand, the complement: FLCN is on the minus strand). VCF-style: chr17-17227955-G-C. GRCh37 (hg19) VCF-style: chr17-17131269-G-C.
Other names: c.183C>G, p.His61Gln (NM_001353229.2, NM_001353230.2, NM_001353231.2 and 1 more transcripts); short protein forms H61Q.
Identifiers: ClinVar variation 1781111 (VCV001781111.4), dbSNP rs2145042523, ClinGen allele CA398535152.
Genomic context (GRCh38, chr17:17,227,955, plus strand): 5'-CATGTCCGACTTTTTGGGCCCCGGGCTGCTGGACTCGACGCTGGCCCCCTCTGCGGGGCT[G>C]TGCGCACGCATCCGACTGTTCATCTGAATGCCACCTTCCTCTTCTTCCGCCTGCTCACCC-3'
Protein context (NP_659434.2, residues 51-71): GIQMNSRMRA[His61Gln]SPAEGASVES

ClinVar aggregate classification (germline): Uncertain significance. Review status: criteria provided, multiple submitters, no conflicts (2 of 4 stars). 2 submissions from 2 submitters: Uncertain significance (2). Last evaluated 2022-01-18.

Conditions:
Birt-Hogg-Dube syndrome. Also called: Birt Hogg Dubé syndrome. Identifiers: Orphanet 122, MedGen C0346010, MONDO:0800444.
Hereditary cancer-predisposing syndrome. Also called: Tumor predisposition; Neoplastic Syndromes, Hereditary; Hereditary Cancer Syndrome; Hereditary neoplastic syndrome. Identifiers: Orphanet 140162, MedGen C0027672, MeSH D009386, MONDO:0015356.

Allele frequency attached by ClinVar (database versions not stated): gnomAD exomes below 0.00001.
gnomAD v4.1: 1 of 1,614,140 alleles (0.000062%); highest among the groups gnomAD compares: South Asian, 0.0011%; no homozygotes.

Submissions (2):

Labcorp Genetics (formerly Invitae), Labcorp
Classification: Uncertain significance for Birt-Hogg-Dube syndrome. Last evaluated: 2022-01-18. Review status: criteria provided, single submitter. Criteria: Invitae Variant Classification Sherloc (09022015). Collection method: clinical testing. Allele origin: germline.
Comment: This sequence change replaces histidine, which is basic and polar, with glutamine, which is neutral and polar, at codon 61 of the FLCN protein (p.His61Gln). This variant is not present in population databases (gnomAD no frequency). This variant has not been reported in the literature in individuals affected with FLCN-related conditions. Algorithms developed to predict the effect of missense changes on protein structure and function (SIFT, PolyPhen-2, Align-GVGD) all suggest that this variant is likely to be tolerated. Algorithms developed to predict the effect of sequence changes on RNA splicing suggest that this variant may create or strengthen a splice site. In summary, the available evidence is currently insufficient to determine the role of this variant in disease. Therefore, it has been classified as a Variant of Uncertain Significance.

Ambry Genetics
Classification: Uncertain significance for Hereditary cancer-predisposing syndrome. Last evaluated: 2020-12-30. Review status: criteria provided, single submitter. Criteria: Ambry Variant Classification Scheme 2023. Collection method: clinical testing. Allele origin: germline.
Comment: The p.H61Q variant (also known as c.183C>G), located in coding exon 1 of the FLCN gene, results from a C to G substitution at nucleotide position 183. The histidine at codon 61 is replaced by glutamine, an amino acid with highly similar properties. This amino acid position is highly conserved in available vertebrate species. In addition, the in silico prediction for this alteration is inconclusive. Since supporting evidence is limited at this time, the clinical significance of this alteration remains unclear.